The following is an entry in ClinVar:

NM_000051.4(ATM):c.928A>G (p.Ser310Gly)

Gene: ATM (ATM serine/threonine kinase; plus strand). Cytogenetic location: 11q22.3.
Variant type: single nucleotide variant.
Coding change: c.928A>G on transcript NM_000051.4 (MANE Select); coding-DNA position 928, A replaced by G.
Protein change: p.Ser310Gly; replaces serine 310 with glycine.
Molecular consequence: missense variant.
Genome position (GRCh38, 1-based): chr11:108,246,990, A>G. VCF-style: chr11-108246990-A-G. GRCh37 (hg19) VCF-style: chr11-108117717-A-G.
Other names: c.928A>G, p.Ser310Gly (NM_001351834.2); short protein forms S310G.
Identifiers: ClinVar variation 188110 (VCV000188110.27), dbSNP rs745773225, ClinGen allele CA334063.
Genomic context (GRCh38, chr11:108,246,990, plus strand): 5'-CATAAAAATTACATTTTAATTTTTTGGATTACAGGTGCTTATGAATCAACAAAATGGAGA[A>G]GTATTTTATACAACTTATATGATCTGCTAGTGAATGAGATAAGTCATATAGGAAGTAGAG-3'
Protein context (NP_000042.3, residues 300-320): KGAYESTKWR[Ser310Gly]ILYNLYDLLV

ClinVar aggregate classification (germline): Conflicting classifications of pathogenicity. Review status: criteria provided, conflicting classifications (1 of 4 stars). 10 submissions from 10 submitters: Uncertain significance (6); Likely benign (2). 2 of the submissions do not count toward it. Last evaluated 2026-08-11.

Conditions:
Hereditary cancer-predisposing syndrome. Also called: Neoplastic Syndromes, Hereditary; Hereditary Cancer Syndrome; Tumor predisposition; Hereditary neoplastic syndrome. Identifiers: Orphanet 140162, MedGen C0027672, MeSH D009386, MONDO:0015356.
Familial cancer of breast. Also called: Hereditary breast cancer; BREAST CANCER, FAMILIAL; hereditary breast carcinoma. Identifiers: Orphanet 227535, MedGen C0346153, MONDO:0016419, OMIM 114480. Disease mechanism: loss of function.
Ataxia-telangiectasia syndrome (AT). Also called: LOUIS-BAR SYNDROME; Cerebello-oculocutaneous telangiectasia; Immunodeficiency with ataxia telangiectasia; Ataxia-telangiectasia, complementation group D; AT, COMPLEMENTATION GROUP C; Ataxia-telangiectasia, complementation group E. Identifiers: Orphanet 100, MedGen C0004135, MONDO:0008840, OMIM 208900.

Allele frequency attached by ClinVar (database versions not stated): gnomAD below 0.00001 and 0.00001; ExAC 0.00002; gnomAD exomes 0.00002 and 0.00001.

Submissions (10):

Ambry Genetics
Classification: Likely benign for Hereditary cancer-predisposing syndrome. Last evaluated: 2026-08-11. Review status: criteria provided, single submitter. Criteria: Ambry Variant Classification Scheme 2023. Collection method: clinical testing. Allele origin: germline.

Labcorp Genetics (formerly Invitae), Labcorp
Classification: Likely benign for Ataxia-telangiectasia syndrome. Last evaluated: 2026-01-20. Review status: criteria provided, single submitter. Criteria: Invitae Variant Classification Sherloc (09022015). Collection method: clinical testing. Allele origin: germline.

Quest Diagnostics Nichols Institute San Juan Capistrano
Classification: Uncertain significance. Last evaluated: 2025-10-17. Review status: criteria provided, single submitter. Criteria: Quest Diagnostics criteria. Collection method: clinical testing. Allele origin: unknown.
Comment: The ATM c.928A>G (p.Ser310Gly) variant has been reported in the published literature in an individual with breast cancer as well as in a reportedly unaffected individual in a large scale breast cancer association study (PMID: 33471991 (2021), see LOVD). The frequency of this variant in the general population (Genome Aggregation Database) is uninformative in the assessment of its pathogenicity. Analysis of this variant using bioinformatics tools for the prediction of the effect of amino acid changes on protein structure and function yielded predictions that this variant is benign. Additional analysis using software algorithms for the prediction of the effect of nucleotide changes on ATM mRNA splicing yielded predictions that this variant may result in the gain of a cryptic splice site without affecting the natural splice sites. Based on the available information, we are unable to determine the clinical significance of this variant.

Athena Diagnostics
Classification: Uncertain significance. Last evaluated: 2025-10-15. Review status: criteria provided, single submitter. Criteria: Athena Diagnostics Criteria. Collection method: clinical testing. Allele origin: unknown.

Baylor Genetics
Classification: Uncertain significance for Familial cancer of breast. Last evaluated: 2024-03-03. Review status: criteria provided, single submitter. Criteria: ACMG Guidelines, 2015. Collection method: clinical testing. Allele origin: unknown.

Color Diagnostics, LLC DBA Color Health
Classification: Uncertain significance for Hereditary cancer-predisposing syndrome. Last evaluated: 2024-01-04. Review status: criteria provided, single submitter. Criteria: ACMG Guidelines, 2015. Collection method: clinical testing. Allele origin: germline.
Comment: This missense variant replaces serine with glycine at codon 310 of the ATM protein. Computational prediction suggests that this variant may not impact protein structure and function. To our knowledge, functional studies have not been reported for this variant. In a large international case-control meta-analysis, this variant was reported in 1/60465 breast cancer cases and 1/53460 controls (PMID: 33471991). This variant has been identified in 4/250870 chromosomes in the general population by the Genome Aggregation Database (gnomAD). The available evidence is insufficient to determine the role of this variant in disease conclusively. Therefore, this variant is classified as a Variant of Uncertain Significance.

GeneDx
Classification: Uncertain significance. Last evaluated: 2022-07-17. Review status: criteria provided, single submitter. Criteria: GeneDx Variant Classification Process June 2021. Collection method: clinical testing. Allele origin: germline. Affected: yes.
Comment: Not observed at significant frequency in large population cohorts (gnomAD); In silico analysis supports that this missense variant does not alter protein structure/function; Has not been previously published as pathogenic or benign to our knowledge

Neuberg Centre For Genomic Medicine, NCGM
Classification: Uncertain significance for Familial cancer of breast. Review status: criteria provided, single submitter. Criteria: ACMG Guidelines, 2015. Collection method: clinical testing. Allele origin: germline. Inheritance: Autosomal dominant inheritance. Affected: yes.
Comment: The missense variant c.928A>G (p.Ser310Gly) in ATM gene has not been reported previously as a pathogenic variant nor as a benign variant, to our knowledge. This variant has been reported to the ClinVar database as Uncertain Significance. The p.Ser310Gly variant is novel (not in any individuals) in 1000 Genomes. The amino acid Ser at position 310 is changed to a Gly changing protein sequence and it might alter its composition and physico-chemical properties. The residue is conserved across species. The amino acid change p.Ser310Gly in ATM is predicted as conserved by GERP++ and PhyloP across 100 vertebrates. For these reasons, this variant has been classified as Uncertain Significant.

Natera, Inc.
Classification: Uncertain significance for Ataxia-telangiectasia. Last evaluated: 2020-09-16. Review status: no assertion criteria provided. Collection method: clinical testing. Allele origin: germline. Not counted in ClinVar's aggregate classification.

Department of Pathology and Laboratory Medicine, Sinai Health System
Classification: Uncertain significance. Review status: no assertion criteria provided. Collection method: clinical testing. Allele origin: unknown. Affected: yes. Study: The Canadian Open Genetics Repository (COGR). Not counted in ClinVar's aggregate classification.
Comment: The ATM p.Ser310Gly variant was not identified in the literature nor was it identified in the COGR, Cosmic, MutDB, or LOVD 3.0 databases. The variant was identified in dbSNP (ID: rs745773225) as â€šÃ„ÃºWith Uncertain significance alleleâ€šÃ„Ã¹, and in ClinVar (4x as uncertain significance by Invitae, Ambry Genetics, GeneDx, Color Genomics). The variant was identified in control databases in 4 of 245900 chromosomes at a frequency of 0.000016 (Genome Aggregation Database Feb 27, 2017). The variant was observed in the South Asian population in 4 of 30778 chromosomes (freq: 0.00013). It was not observed in the African, â€šÃ„ÃºOtherâ€šÃ„Ã¹, Latino, European Non-Finnish, Ashkenazi Jewish, East Asian, or Finnish populations. The p.Ser310 residue is conserved in mammals and computational analyses (PolyPhen-2, SIFT, AlignGVGD, BLOSUM, MutationTaster) provide inconsistent predictions regarding the impact to the protein; this information is not very predictive of pathogenicity. The variant occurs outside of the splicing consensus sequence and 2 of 5 in silico or computational prediction software programs (SpliceSiteFinder, MaxEntScan, NNSPLICE, GeneSplicer, HumanSpliceFinder) predict a greater than 10% difference in splicing; this is not very predictive of pathogenicity. In summary, based on the above information the clinical significance of this variant cannot be determined with certainty at this time. This variant is classified as a variant of uncertain significance.

Literature cited by the submitters: PubMed 40580951 (cited by Ambry Genetics); PubMed 30550363 (cited by Quest Diagnostics Nichols Institute San Juan Capistrano and Athena Diagnostics); PubMed 35145272 (cited by Quest Diagnostics Nichols Institute San Juan Capistrano and Athena Diagnostics); PubMed 33471991 (cited by 3 submitters).